The following is an entry in ClinVar:

NM_001171613.2(PREPL):c.293T>C (p.Ile98Thr)

Gene: PREPL (prolyl endopeptidase like; minus strand). Cytogenetic location: 2p21.
Variant type: single nucleotide variant.
Coding change: c.293T>C on transcript NM_001171613.2 (MANE Select); coding-DNA position 293, T replaced by C.
Protein change: p.Ile98Thr; replaces isoleucine 98 with threonine.
Molecular consequence: missense variant.
Genome position (GRCh38, 1-based): chr2:44,343,801, A>G on the plus strand (T>C on the coding strand, the complement: PREPL is on the minus strand). VCF-style: chr2-44343801-A-G. GRCh37 (hg19) VCF-style: chr2-44570940-A-G.
Other names: c.560T>C, p.Ile187Thr (NM_001042385.2, NM_001042386.2, NM_001171603.1 and 4 more transcripts); c.293T>C, p.Ile98Thr (NM_001171617.1, NM_001374277.1); short protein forms I98T, I187T.
Identifiers: ClinVar variation 1384881 (VCV001384881.4), dbSNP rs370296906, ClinGen allele CA46552396.
Genomic context (GRCh38, chr2:44,343,801, plus strand): 5'-TTACCAAAACTGGACACATTCGGGAAAGAAGCTTCCATTACGGGCTGATCGCTGAGCTTT[A>G]TAATTACACAGGTAGATGCTTCAGAATCTTCAGTTCTTATCTTGGCAGCCACATATTTTT-3'
Protein context (NP_001165084.1, residues 88-108): EDSEASTCVI[Ile98Thr]KLSDQPVMEA

ClinVar aggregate classification (germline): Uncertain significance (1 of 4 stars; one submission).

Conditions:
Myasthenic syndrome, congenital, 22 (CMS22). Also called: PREPL DEFICIENCY. Identifiers: MedGen C4479088, MONDO:0044299, OMIM 616224.

Allele frequency attached by ClinVar (database versions not stated): gnomAD exomes below 0.00001 and 0.00002; gnomAD 0.00001; TOPMed 0.00003; ESP Exome Variant Server 0.00008; 1000 Genomes Project 30x 0.00016; 1000 Genomes Project 0.00020.
gnomAD v4.1: 8 of 1,614,076 alleles (0.0005%); highest among the groups gnomAD compares: Middle Eastern, 0.016%; no homozygotes.

Submission:

Labcorp Genetics (formerly Invitae), Labcorp
Classification: Uncertain significance for Myasthenic syndrome, congenital, 22. Last evaluated: 2021-09-09. Review status: criteria provided, single submitter. Criteria: Invitae Variant Classification Sherloc (09022015). Collection method: clinical testing. Allele origin: germline.
Comment: In summary, the available evidence is currently insufficient to determine the role of this variant in disease. Therefore, it has been classified as a Variant of Uncertain Significance. Algorithms developed to predict the effect of missense changes on protein structure and function are either unavailable or do not agree on the potential impact of this missense change (SIFT: "Deleterious"; PolyPhen-2: "Benign"; Align-GVGD: "Class C0"). This variant has not been reported in the literature in individuals affected with PREPL-related conditions. This variant is not present in population databases (ExAC no frequency). This sequence change replaces isoleucine with threonine at codon 187 of the PREPL protein (p.Ile187Thr). The isoleucine residue is weakly conserved and there is a moderate physicochemical difference between isoleucine and threonine.